The following is an entry in ClinVar:

NM_000878.5(IL2RB):c.406A>G (p.Ile136Val)

Gene: IL2RB (interleukin 2 receptor subunit beta; minus strand). Cytogenetic location: 22q12.3.
Variant type: single nucleotide variant.
Coding change: c.406A>G on transcript NM_000878.5 (MANE Select); coding-DNA position 406, A replaced by G.
Protein change: p.Ile136Val; replaces isoleucine 136 with valine.
Molecular consequence: missense variant.
Genome position (GRCh38, 1-based): chr22:37,137,718, T>C on the plus strand (A>G on the coding strand, the complement: IL2RB is on the minus strand). VCF-style: chr22-37137718-T-C. GRCh37 (hg19) VCF-style: chr22-37533758-T-C.
Other names: c.406A>G, p.Ile136Val (NM_001346222.1, NM_001346223.2); c.406A>G (NM_000878.2); short protein forms I136V.
Identifiers: ClinVar variation 1371541 (VCV001371541.7), dbSNP rs764222346, ClinGen allele CA411428432.

ClinVar aggregate classification (germline): Uncertain significance. Review status: criteria provided, multiple submitters, no conflicts (2 of 4 stars). 2 submissions from 2 submitters: Uncertain significance (2). Last evaluated 2025-08-26.

gnomAD v4.1: 5 of 1,613,722 alleles (0.00031%); highest among the groups gnomAD compares: Admixed American, 0.0067%; no homozygotes.

Submissions (2):

Ambry Genetics
Classification: Uncertain significance. Last evaluated: 2025-08-26. Review status: criteria provided, single submitter. Criteria: Ambry Variant Classification Scheme 2023. Collection method: clinical testing. Allele origin: germline.

Labcorp Genetics (formerly Invitae), Labcorp
Classification: Uncertain significance. Last evaluated: 2022-07-12. Review status: criteria provided, single submitter. Criteria: Invitae Variant Classification Sherloc (09022015). Collection method: clinical testing. Allele origin: germline.
Comment: This sequence change replaces isoleucine, which is neutral and non-polar, with valine, which is neutral and non-polar, at codon 136 of the IL2RB protein (p.Ile136Val). This variant is present in population databases (no rsID available, gnomAD 0.003%). This variant has not been reported in the literature in individuals affected with IL2RB-related conditions. ClinVar contains an entry for this variant (Variation ID: 1371541). Algorithms developed to predict the effect of missense changes on protein structure and function (SIFT, PolyPhen-2, Align-GVGD) all suggest that this variant is likely to be tolerated. In summary, the available evidence is currently insufficient to determine the role of this variant in disease. Therefore, it has been classified as a Variant of Uncertain Significance.